The following is an entry in ClinVar:

NM_001715.3(BLK):c.203A>T (p.Asp68Val)

Gene: BLK (BLK proto-oncogene, Src family tyrosine kinase). Cytogenetic location: 8p23.1.
Variant type: single nucleotide variant.
Coding change: c.203A>T on transcript NM_001715.3 (MANE Select); coding-DNA position 203, A replaced by T.
Protein change: p.Asp68Val; replaces aspartic acid 68 with valine.
Molecular consequence: missense variant. On other transcripts: 5 prime UTR variant (1).
Genome position (GRCh38, 1-based): chr8:11,548,059, A>T. VCF-style: chr8-11548059-A-T. GRCh37 (hg19) VCF-style: chr8-11405568-A-T.
Other names: c.-11A>T (NM_001330465.2); c.203A>T (NM_001715.2); short protein forms D68V.
Identifiers: ClinVar variation 1432835 (VCV001432835.6), dbSNP rs748864580, ClinGen allele CA4629754.

ClinVar aggregate classification (germline): Uncertain significance. Review status: criteria provided, multiple submitters, no conflicts (2 of 4 stars). 2 submissions from 2 submitters: Uncertain significance (2). Last evaluated 2023-12-27.

Allele frequency attached by ClinVar (database versions not stated): gnomAD exomes below 0.00001; TOPMed below 0.00001; ExAC 0.00001.

Submissions (2):

Labcorp Genetics (formerly Invitae), Labcorp
Classification: Uncertain significance. Last evaluated: 2023-12-27. Review status: criteria provided, single submitter. Criteria: Invitae Variant Classification Sherloc (09022015). Collection method: clinical testing. Allele origin: germline.
Comment: This sequence change replaces aspartic acid, which is acidic and polar, with valine, which is neutral and non-polar, at codon 68 of the BLK protein (p.Asp68Val). This variant is present in population databases (rs748864580, gnomAD 0.0009%). This variant has not been reported in the literature in individuals affected with BLK-related conditions. ClinVar contains an entry for this variant (Variation ID: 1432835). An algorithm developed to predict the effect of missense changes on protein structure and function (PolyPhen-2) suggests that this variant is likely to be disruptive. In summary, the available evidence is currently insufficient to determine the role of this variant in disease. Therefore, it has been classified as a Variant of Uncertain Significance.

GeneDx
Classification: Uncertain significance. Last evaluated: 2022-11-08. Review status: criteria provided, single submitter. Criteria: GeneDx Variant Classification Process June 2021. Collection method: clinical testing. Allele origin: germline. Affected: yes.
Comment: Not observed at significant frequency in large population cohorts (gnomAD); In silico analysis supports that this missense variant has a deleterious effect on protein structure/function; Has not been previously published as pathogenic or benign to our knowledge